The following is an entry in ClinVar:

NM_019108.4(SMG9):c.18del (p.His6fs)

Gene: SMG9 (SMG9 nonsense mediated mRNA decay factor; minus strand). Cytogenetic location: 19q13.31.
Variant type: Deletion.
Coding change: c.18del on transcript NM_019108.4 (MANE Select); coding-DNA position 18, one base deleted (C; older notation c.18delC).
Protein change: p.His6fs; shifts the reading frame from histidine 6.
Molecular consequence: frameshift variant.
Genome position (GRCh38, 1-based): chr19:43,750,724, G deleted on the plus strand (C on the coding strand, the reverse complement: SMG9 is on the minus strand). VCF-style (leftmost placement, unchanged base first): chr19-43750723-TG-T. GRCh37 (hg19) VCF-style: chr19-44254875-TG-T.
Other names: short protein forms H6fs.
Identifiers: ClinVar variation 3067737 (VCV003067737.21), dbSNP rs2513943278, ClinGen allele CA2825002809.

ClinVar aggregate classification (germline): Uncertain significance (1 of 4 stars; one submission).

Submission:

CeGaT Center for Human Genetics Tuebingen
Classification: Uncertain significance. Last evaluated: 2024-03-01. Review status: criteria provided, single submitter. Criteria: CeGaT Center For Human Genetics Tuebingen Variant Classification Criteria Version 2. Collection method: clinical testing. Allele origin: germline. Affected: yes. Observed: 1 variant allele.
Comment: SMG9: PM2, PVS1:Supporting